The following is an entry in ClinVar:

ClinVar aggregate classification (germline): Uncertain significance. Review status: criteria provided, multiple submitters, no conflicts (2 of 4 stars). 3 submissions from 3 submitters: Uncertain significance (2). 1 of the submissions does not count toward it. Last evaluated 2022-01-27.

Conditions:
Primary hyperoxaluria, type I (HP1). Also called: GLYCOLIC ACIDURIA; HEPATIC AGT DEFICIENCY; OXALOSIS I; Primary hyperoxaluria type 1. Identifiers: Orphanet 416, Orphanet 93598, MedGen C0268164, MONDO:0009823, OMIM 259900. Disease mechanism: loss of function.

Allele frequency attached by ClinVar (database versions not stated): gnomAD exomes below 0.00001.
gnomAD v4.1: 6 of 1,613,694 alleles (0.00037%); highest among the groups gnomAD compares: East Asian, 0.0022%; no homozygotes.

Submissions (3):

Fulgent Genetics
Classification: Uncertain significance for Primary hyperoxaluria, type I. Last evaluated: 2022-01-27. Review status: criteria provided, single submitter. Criteria: ACMG Guidelines, 2015. Collection method: clinical testing. Allele origin: unknown.

Labcorp Genetics (formerly Invitae), Labcorp
Classification: Uncertain significance. Last evaluated: 2021-08-30. Review status: criteria provided, single submitter. Criteria: Invitae Variant Classification Sherloc (09022015). Collection method: clinical testing. Allele origin: germline.
Comment: This sequence change replaces alanine with threonine at codon 213 of the AGXT protein (p.Ala213Thr). The alanine residue is moderately conserved and there is a small physicochemical difference between alanine and threonine. This variant is not present in population databases (ExAC no frequency). This variant has not been reported in the literature in individuals affected with AGXT-related conditions. Algorithms developed to predict the effect of missense changes on protein structure and function are either unavailable or do not agree on the potential impact of this missense change (SIFT: "Deleterious"; PolyPhen-2: "Possibly Damaging"; Align-GVGD: "Class C0"). In summary, the available evidence is currently insufficient to determine the role of this variant in disease. Therefore, it has been classified as a Variant of Uncertain Significance.

Natera, Inc.
Classification: Uncertain significance for Primary hyperoxaluria type I. Last evaluated: 2020-07-30. Review status: no assertion criteria provided. Collection method: clinical testing. Allele origin: germline. Not counted in ClinVar's aggregate classification.

NM_000030.3(AGXT):c.637G>A (p.Ala213Thr)

Gene: AGXT (alanine--glyoxylate aminotransferase; plus strand). Cytogenetic location: 2q37.3.
Variant type: single nucleotide variant.
Coding change: c.637G>A on transcript NM_000030.3 (MANE Select); coding-DNA position 637, G replaced by A.
Protein change: p.Ala213Thr; replaces alanine 213 with threonine.
Molecular consequence: missense variant.
Genome position (GRCh38, 1-based): chr2:240,874,019, G>A. VCF-style: chr2-240874019-G-A. GRCh37 (hg19) VCF-style: chr2-241813436-G-A.
Other names: short protein forms A213T.
Identifiers: ClinVar variation 1060317 (VCV001060317.8), dbSNP rs1200591457, ClinGen allele CA351316926.